The following is an entry in ClinVar:

ClinVar aggregate classification (germline): Uncertain significance (1 of 4 stars; one submission).

Conditions:
Hypertrophic cardiomyopathy. Also called: HYPERTROPHIC MYOCARDIOPATHY. Identifiers: Orphanet 217569, MedGen C0007194, MeSH D002312, MONDO:0005045, HP:0001639.

Submission:

Labcorp Genetics (formerly Invitae), Labcorp
Classification: Uncertain significance for Hypertrophic cardiomyopathy. Last evaluated: 2019-07-30. Review status: criteria provided, single submitter. Criteria: Invitae Variant Classification Sherloc (09022015). Collection method: clinical testing. Allele origin: germline.
Comment: In summary, the available evidence is currently insufficient to determine the role of this variant in disease. Therefore, it has been classified as a Variant of Uncertain Significance. The current clinical and genetic evidence is not sufficient to establish whether loss-of-function variants in MYOM1 cause disease. This variant has not been reported in the literature in individuals with MYOM1-related conditions. This variant is not present in population databases (ExAC no frequency). This sequence change creates a premature translational stop signal (p.Gly1323Glufs*42) in the MYOM1 gene. It is expected to result in an absent or disrupted protein product.

NM_003803.4(MYOM1):c.3968del (p.Gly1323fs)

Gene: MYOM1 (myomesin 1; minus strand). Cytogenetic location: 18p11.31.
Variant type: Deletion.
Coding change: c.3968del on transcript NM_003803.4 (MANE Select); coding-DNA position 3968, one base deleted (G; older notation c.3968delG).
Protein change: p.Gly1323fs; shifts the reading frame from glycine 1323.
Molecular consequence: frameshift variant.
Genome position (GRCh38, 1-based): chr18:3,090,699, C deleted on the plus strand (G on the coding strand, the reverse complement: MYOM1 is on the minus strand); the first of 2 consecutive C bases (chr18:3,090,699-3,090,700); deleting either gives the same sequence. VCF-style (leftmost placement, unchanged base first): chr18-3090698-TC-T. GRCh37 (hg19) VCF-style: chr18-3090696-TC-T.
Other names: c.3680del, p.Gly1227fs (NM_019856.2); short protein forms G1227fs, G1323fs.
Identifiers: ClinVar variation 961556 (VCV000961556.7), dbSNP rs1377047086, ClinGen allele CA628060370.